The following is an entry in ClinVar:

ClinVar aggregate classification (germline): Uncertain significance. Review status: criteria provided, multiple submitters, no conflicts (2 of 4 stars). 3 submissions from 3 submitters: Uncertain significance (3). Last evaluated 2025-10-13.

Conditions:
Growth delay due to insulin-like growth factor I resistance. Also called: Insulin-Like Growth Factor I Resistance; Somatomedin end-organ insensitivity to; Somatomedin-c resistance to; IGF-1 resistance; IGF-I RESISTANCE. Identifiers: Orphanet 73273, MedGen C1849157, MONDO:0010038, OMIM 270450.

Allele frequency attached by ClinVar (database versions not stated): gnomAD 0.00005; TOPMed 0.00005.
gnomAD v4.1: 35 of 1,614,144 alleles (0.0022%); highest among the groups gnomAD compares: Non-Finnish European, 0.0029%; no homozygotes.

Submissions (3):

Labcorp Genetics (formerly Invitae), Labcorp
Classification: Uncertain significance. Last evaluated: 2025-10-13. Review status: criteria provided, single submitter. Criteria: Invitae Variant Classification Sherloc (09022015). Collection method: clinical testing. Allele origin: germline.
Comment: This sequence change replaces glutamic acid, which is acidic and polar, with aspartic acid, which is acidic and polar, at codon 1284 of the IGF1R protein (p.Glu1284Asp). This variant is present in population databases (rs746049391, gnomAD 0.005%). This variant has not been reported in the literature in individuals affected with IGF1R-related conditions. ClinVar contains an entry for this variant (Variation ID: 884826). Invitae Evidence Modeling of protein sequence and biophysical properties (such as structural, functional, and spatial information, amino acid conservation, physicochemical variation, residue mobility, and thermodynamic stability) indicates that this missense variant is not expected to disrupt IGF1R protein function with a negative predictive value of 80%. In summary, the available evidence is currently insufficient to determine the role of this variant in disease. Therefore, it has been classified as a Variant of Uncertain Significance.

CeGaT Center for Human Genetics Tuebingen
Classification: Uncertain significance. Last evaluated: 2025-08-01. Review status: criteria provided, single submitter. Criteria: CeGaT Center For Human Genetics Tuebingen Variant Classification Criteria Version 2. Collection method: clinical testing. Allele origin: germline. Affected: yes. Observed: 1 variant allele.
Comment: IGF1R: PM2:Supporting

Illumina Laboratory Services, Illumina
Classification: Uncertain significance for Growth delay due to insulin-like growth factor I resistance. Last evaluated: 2018-01-13. Review status: criteria provided, single submitter. Criteria: ICSL Variant Classification Criteria 13 December 2019. Collection method: clinical testing. Allele origin: germline.

NM_000875.5(IGF1R):c.3852G>T (p.Glu1284Asp)

Gene: IGF1R (insulin like growth factor 1 receptor; plus strand). Cytogenetic location: 15q26.3.
Variant type: single nucleotide variant.
Coding change: c.3852G>T on transcript NM_000875.5 (MANE Select); coding-DNA position 3852, G replaced by T.
Protein change: p.Glu1284Asp; replaces glutamic acid 1284 with aspartic acid.
Molecular consequence: missense variant.
Genome position (GRCh38, 1-based): chr15:98,957,190, G>T. VCF-style: chr15-98957190-G-T. GRCh37 (hg19) VCF-style: chr15-99500419-G-T.
Other names: c.3849G>T, p.Glu1283Asp (NM_001291858.2); short protein forms E1283D, E1284D.
Identifiers: ClinVar variation 884826 (VCV000884826.15), dbSNP rs746049391, ClinGen allele CA7752807.